The following is an entry in ClinVar:

ClinVar aggregate classification (germline): Uncertain significance. Review status: criteria provided, multiple submitters, no conflicts (2 of 4 stars). 3 submissions from 3 submitters: Uncertain significance (3). Last evaluated 2025-10-30.

Conditions:
Hereditary cancer-predisposing syndrome. Also called: Tumor predisposition; Hereditary Cancer Syndrome; Hereditary neoplastic syndrome; Neoplastic Syndromes, Hereditary. Identifiers: Orphanet 140162, MedGen C0027672, MeSH D009386, MONDO:0015356.
Hereditary pheochromocytoma and paraganglioma. Also called: Hereditary paragangliomas and pheochromocytomas; Hereditary Paraganglioma-Pheochromocytoma Syndromes; Hereditary pheochromocytoma-paraganglioma. Identifiers: Orphanet 29072, MedGen C4274332, MONDO:0017366.

Allele frequency attached by ClinVar (database versions not stated): gnomAD exomes below 0.00001; gnomAD 0.00001.
gnomAD v4.1: 9 of 1,614,078 alleles (0.00056%); highest among the groups gnomAD compares: African/African-American, 0.0027%; no homozygotes.

Submissions (3):

Labcorp Genetics (formerly Invitae), Labcorp
Classification: Uncertain significance for Hereditary pheochromocytoma and paraganglioma. Last evaluated: 2025-10-30. Review status: criteria provided, single submitter. Criteria: Invitae Variant Classification Sherloc (09022015). Collection method: clinical testing. Allele origin: germline.
Comment: This sequence change replaces isoleucine, which is neutral and non-polar, with valine, which is neutral and non-polar, at codon 63 of the SDHAF2 protein (p.Ile63Val). This variant is present in population databases (no rsID available, gnomAD 0.01%). This variant has not been reported in the literature in individuals affected with SDHAF2-related conditions. ClinVar contains an entry for this variant (Variation ID: 1430006). An algorithm developed to predict the effect of missense changes on protein structure and function outputs the following: PolyPhen-2: "Benign". The valine amino acid residue is found in multiple mammalian species, which suggests that this missense change does not adversely affect protein function. In summary, the available evidence is currently insufficient to determine the role of this variant in disease. Therefore, it has been classified as a Variant of Uncertain Significance.

Color Diagnostics, LLC DBA Color Health
Classification: Uncertain significance for Hereditary pheochromocytoma and paraganglioma. Last evaluated: 2025-06-23. Review status: criteria provided, single submitter. Criteria: ACMG Guidelines, 2015. Collection method: clinical testing. Allele origin: germline.
Comment: This missense variant replaces isoleucine with valine at codon 63 of the SDHAF2 protein. Computational prediction suggests that this variant may not impact protein structure and function. To our knowledge, functional studies have not been reported for this variant. This variant has not been reported in individuals affected with SDHAF2-related disorders in the literature. This variant has been identified in 2/31402 chromosomes in the general population by the Genome Aggregation Database (gnomAD). The available evidence is insufficient to determine the role of this variant in disease conclusively. Therefore, this variant is classified as a Variant of Uncertain Significance.

Ambry Genetics
Classification: Uncertain significance for Hereditary cancer-predisposing syndrome. Last evaluated: 2022-11-02. Review status: criteria provided, single submitter. Criteria: Ambry Variant Classification Scheme 2023. Collection method: clinical testing. Allele origin: germline.
Comment: The p.I63V variant (also known as c.187A>G), located in coding exon 2 of the SDHAF2 gene, results from an A to G substitution at nucleotide position 187. The isoleucine at codon 63 is replaced by valine, an amino acid with highly similar properties. This amino acid position is conserved. In addition, this alteration is predicted to be tolerated by in silico analysis. Since supporting evidence is limited at this time, the clinical significance of this alteration remains unclear.

NM_017841.4(SDHAF2):c.187A>G (p.Ile63Val)

Gene: SDHAF2 (succinate dehydrogenase complex assembly factor 2; plus strand). Cytogenetic location: 11q12.2.
Variant type: single nucleotide variant.
Coding change: c.187A>G on transcript NM_017841.4 (MANE Select); coding-DNA position 187, A replaced by G.
Protein change: p.Ile63Val; replaces isoleucine 63 with valine.
Molecular consequence: missense variant.
Genome position (GRCh38, 1-based): chr11:61,437,775, A>G. VCF-style: chr11-61437775-A-G. GRCh37 (hg19) VCF-style: chr11-61205247-A-G.
Other names: c.187A>G (NM_017841.2); short protein forms I63V.
Identifiers: ClinVar variation 1430006 (VCV001430006.8), dbSNP rs1184440065, ClinGen allele CA380683532.